The following is an entry in ClinVar:

ClinVar aggregate classification (germline): Uncertain significance (1 of 4 stars; one submission).

Conditions:
Neuropathy, hereditary sensory and autonomic, type 2A (HSAN2A). Also called: ACROOSTEOLYSIS, GIACCAI TYPE; ACROOSTEOLYSIS, NEUROGENIC; MORVAN DISEASE; NEUROPATHY, CONGENITAL SENSORY; NEUROPATHY, HEREDITARY SENSORY RADICULAR, AUTOSOMAL RECESSIVE; NEUROPATHY, HEREDITARY SENSORY, TYPE IIA. Identifiers: Orphanet 970, MedGen C2752089, MONDO:0024309, OMIM 201300.
Pseudohypoaldosteronism type 2C (PHA2C). Also called: Pseudohypoaldosteronism Type IIC. Identifiers: Orphanet 757, Orphanet 88940, MedGen C1840391, MONDO:0013778, OMIM 614492.

Submission:

Labcorp Genetics (formerly Invitae), Labcorp
Classification: Uncertain significance for Neuropathy, hereditary sensory and autonomic, type 2A; Pseudohypoaldosteronism type 2C. Last evaluated: 2024-08-28. Review status: criteria provided, single submitter. Criteria: Invitae Variant Classification Sherloc (09022015). Collection method: clinical testing. Allele origin: germline.
Comment: This sequence change replaces cysteine, which is neutral and slightly polar, with phenylalanine, which is neutral and non-polar, at codon 806 of the WNK1 protein (p.Cys806Phe). This variant is not present in population databases (gnomAD no frequency). This variant has not been reported in the literature in individuals affected with WNK1-related conditions. Invitae Evidence Modeling of protein sequence and biophysical properties (such as structural, functional, and spatial information, amino acid conservation, physicochemical variation, residue mobility, and thermodynamic stability) indicates that this missense variant is not expected to disrupt WNK1 protein function with a negative predictive value of 95%. In summary, the available evidence is currently insufficient to determine the role of this variant in disease. Therefore, it has been classified as a Variant of Uncertain Significance.

NM_213655.5(WNK1):c.2417G>T (p.Cys806Phe)

Gene: WNK1 (WNK lysine deficient protein kinase 1; plus strand). Cytogenetic location: 12p13.33.
Variant type: single nucleotide variant.
Coding change: c.2417G>T on transcript NM_213655.5 (MANE Plus Clinical); coding-DNA position 2417, G replaced by T.
Protein change: p.Cys806Phe; replaces cysteine 806 with phenylalanine.
Molecular consequence: missense variant. On other transcripts: intron variant (2).
Genome position (GRCh38, 1-based): chr12:867,888, G>T. VCF-style: chr12-867888-G-T. GRCh37 (hg19) VCF-style: chr12-977054-G-T.
Other names: c.2162G>T, p.Cys721Phe (NM_001184985.2); c.2140-3377G>T (NM_018979.4, NM_014823.3); short protein forms C721F, C806F.
Identifiers: ClinVar variation 3753827 (VCV003753827.2).
Genomic context (GRCh38, chr12:867,888, plus strand): 5'-GAATGTATGAATTACTTGTCTTATTCATGTTGATACAGCCTCAGTCCATGGCGCATCCGT[G>T]TGGGGGGACCCCAACATACCCAGAATCACAGATATTTTTCCCAACTATTCATGAACGTCC-3'
Protein context (NP_998820.3, residues 796-816): VSTPQSMAHP[Cys806Phe]GGTPTYPESQ